The following is an entry in ClinVar:

NM_001199267.2(DGKZ):c.367-5A>C

Gene: DGKZ (diacylglycerol kinase zeta; plus strand). Cytogenetic location: 11p11.2.
Variant type: single nucleotide variant.
Coding change: c.367-5A>C on transcript NM_001199267.2 (MANE Select); 5 bases into the intron before coding-DNA position 367, A replaced by C.
Molecular consequence: intron variant. On other transcripts: splice acceptor variant (4).
Genome position (GRCh38, 1-based): chr11:46,368,000, A>C. VCF-style: chr11-46368000-A-C. GRCh37 (hg19) VCF-style: chr11-46389550-A-C.
Other names: c.418-5A>C (NM_201532.3); c.379-2A>C (NM_201533.3); c.367-2A>C (NM_001199266.2, NM_003646.4, NM_001199268.2); c.934-5A>C (NM_001105540.2).
Identifiers: ClinVar variation 3338222 (VCV003338222.2).

ClinVar aggregate classification (germline): Uncertain significance (0 of 4 stars; one submission).

Conditions:
Autism (AUTS). Also called: Autistic disorder of childhood onset; Autistic disorder. Identifiers: MedGen C0004352, MeSH D001321, MONDO:0005260, OMIM 209850, HP:0000717.

Submission:

Centre for Addiction & Mental Health
Classification: Uncertain significance for Autism. Review status: no assertion criteria provided. Collection method: research. Allele origin: de novo. Affected: yes. Observed: 1 heterozygote. Segregation with disease not observed.
Comment: Gene not previously associated with disease; independent supporting evidence needed